The following is an entry in ClinVar:

ClinVar aggregate classification (germline): Uncertain significance. Review status: criteria provided, multiple submitters, no conflicts (2 of 4 stars). 2 submissions from 2 submitters: Uncertain significance (2). Last evaluated 2025-05-14.

Conditions:
Dyskeratosis congenita, autosomal dominant 6 (DKCA6). Identifiers: Orphanet 3322, MedGen C4225284, MONDO:0014690, OMIM 616553.
Inborn genetic diseases. Identifiers: MedGen C0950123, MeSH D030342.

Allele frequency attached by ClinVar (database versions not stated): gnomAD exomes below 0.00001.
gnomAD v4.1: 2 of 1,614,142 alleles (0.00012%); highest among the groups gnomAD compares: Admixed American, 0.0033%; no homozygotes.

Submissions (2):

Ambry Genetics
Classification: Uncertain significance for Inborn genetic diseases. Last evaluated: 2025-05-14. Review status: criteria provided, single submitter. Criteria: Ambry Variant Classification Scheme 2023. Collection method: clinical testing. Allele origin: germline.

Labcorp Genetics (formerly Invitae), Labcorp
Classification: Uncertain significance for Dyskeratosis congenita, autosomal dominant 6. Last evaluated: 2024-11-21. Review status: criteria provided, single submitter. Criteria: Invitae Variant Classification Sherloc (09022015). Collection method: clinical testing. Allele origin: germline.
Comment: This sequence change replaces serine, which is neutral and polar, with threonine, which is neutral and polar, at codon 247 of the ACD protein (p.Ser247Thr). This variant is present in population databases (no rsID available, gnomAD 0.006%). This variant has not been reported in the literature in individuals affected with ACD-related conditions. ClinVar contains an entry for this variant (Variation ID: 2480776). Invitae Evidence Modeling of protein sequence and biophysical properties (such as structural, functional, and spatial information, amino acid conservation, physicochemical variation, residue mobility, and thermodynamic stability) indicates that this missense variant is not expected to disrupt ACD protein function with a negative predictive value of 80%. In summary, the available evidence is currently insufficient to determine the role of this variant in disease. Therefore, it has been classified as a Variant of Uncertain Significance.

NM_001082486.2(ACD):c.481T>A (p.Ser161Thr)

Gene: ACD (ACD shelterin complex subunit and telomerase recruitment factor; minus strand). Cytogenetic location: 16q22.1.
Variant type: single nucleotide variant.
Coding change: c.481T>A on transcript NM_001082486.2 (MANE Select); coding-DNA position 481, T replaced by A.
Protein change: p.Ser161Thr; replaces serine 161 with threonine.
Molecular consequence: missense variant.
Genome position (GRCh38, 1-based): chr16:67,659,241, A>T on the plus strand (T>A on the coding strand, the complement: ACD is on the minus strand). VCF-style: chr16-67659241-A-T. GRCh37 (hg19) VCF-style: chr16-67693144-A-T.
Other names: c.481T>A, p.Ser161Thr (NM_001410884.1); c.472T>A, p.Ser158Thr (NM_022914.3); short protein forms S161T, S158T.
Identifiers: ClinVar variation 2480776 (VCV002480776.5), dbSNP rs1338842935, ClinGen allele CA396354566.